The following is an entry in ClinVar:

NM_005120.3(MED12):c.2779G>A (p.Val927Met)

Gene: MED12 (mediator complex subunit 12; plus strand). Cytogenetic location: Xq13.1.
Variant type: single nucleotide variant.
Coding change: c.2779G>A on transcript NM_005120.3 (MANE Select); coding-DNA position 2779, G replaced by A.
Protein change: p.Val927Met; replaces valine 927 with methionine.
Molecular consequence: missense variant.
Genome position (GRCh38, 1-based): chrX:71,127,062, G>A. VCF-style: chrX-71127062-G-A. GRCh37 (hg19) VCF-style: chrX-70346912-G-A.
Other names: short protein forms V927M.
Identifiers: ClinVar variation 3394450 (VCV003394450.1).

ClinVar aggregate classification (germline): Uncertain significance (1 of 4 stars; one submission).

Conditions:
Familial thoracic aortic aneurysm and aortic dissection (TAAD). Also called: Thoracic aortic aneurysms and dissections. Identifiers: Orphanet 91387, MedGen C4707243, MONDO:0019625.

gnomAD v4.1: 2 of 1,211,819 alleles (0.00017%); highest among the groups gnomAD compares: Admixed American, 0.0022%; no homozygotes.

Submission:

Ambry Genetics
Classification: Uncertain significance for Familial thoracic aortic aneurysm and aortic dissection. Last evaluated: 2024-08-12. Review status: criteria provided, single submitter. Criteria: Ambry Variant Classification Scheme 2023. Collection method: clinical testing. Allele origin: germline.
Comment: The p.V927M variant (also known as c.2779G>A), located in coding exon 20 of the MED12 gene, results from a G to A substitution at nucleotide position 2779. The valine at codon 927 is replaced by methionine, an amino acid with highly similar properties. This amino acid position is conserved. In addition, this alteration is predicted to be deleterious by in silico analysis. Based on the available evidence, the clinical significance of this variant remains unclear.